The following is an entry in ClinVar:

NM_001366385.1(CARD14):c.1942G>A (p.Gly648Ser)

Genes: SGSH (N-sulfoglucosamine sulfohydrolase; minus strand), CARD14 (caspase recruitment domain family member 14; plus strand). Cytogenetic location: 17q25.3.
Variant type: single nucleotide variant.
Coding change: c.1942G>A on transcript NM_001366385.1 (MANE Select); coding-DNA position 1942, G replaced by A.
Protein change: p.Gly648Ser; replaces glycine 648 with serine.
Molecular consequence: missense variant. On other transcripts: non-coding transcript variant (1).
Genome position (GRCh38, 1-based): chr17:80,201,834, G>A. VCF-style: chr17-80201834-G-A. GRCh37 (hg19) VCF-style: chr17-78175633-G-A.
Other names: c.1942G>A, p.Gly648Ser (NM_001257970.1, NM_024110.4); short protein forms G648S.
Identifiers: ClinVar variation 652294 (VCV000652294.9), dbSNP rs748993106, ClinGen allele CA8817122.
Genomic context (GRCh38, chr17:80,201,834, plus strand): 5'-AAGGCAGTCCTGGAGGACACGACCCTGGAGGAGGCCGTGGGGCTTCTCAGGAGGGTGGAC[G>A]GCTTCTGCTGCCTGTCTGTGAAGGTCAACACGGACGGTACACATACCACTCCTCTCGTGT-3'
Protein context (NP_001353314.1, residues 638-658): EAVGLLRRVD[Gly648Ser]FCCLSVKVNT

ClinVar aggregate classification (germline): Uncertain significance (1 of 4 stars; one submission).

Conditions:
Pityriasis rubra pilaris (PRP). Also called: Pityriasis rubra pilaris--familial type. Identifiers: Orphanet 2897, MedGen C0032027, MONDO:0100017, OMIM 173200, MONDO:0008251.
Psoriasis 2. Identifiers: MedGen C1864497, MONDO:0011269, OMIM 602723.

Allele frequency attached by ClinVar (database versions not stated): TOPMed below 0.00001; gnomAD 0.00001; gnomAD exomes 0.00001 and 0.00002; ExAC 0.00003.
gnomAD v4.1: 25 of 1,613,820 alleles (0.0015%); highest among the groups gnomAD compares: East Asian, 0.016%; no homozygotes.

Submission:

Labcorp Genetics (formerly Invitae), Labcorp
Classification: Uncertain significance for Pityriasis rubra pilaris; Psoriasis 2. Last evaluated: 2024-02-11. Review status: criteria provided, single submitter. Criteria: Invitae Variant Classification Sherloc (09022015). Collection method: clinical testing. Allele origin: germline.
Comment: This sequence change replaces glycine, which is neutral and non-polar, with serine, which is neutral and polar, at codon 648 of the CARD14 protein (p.Gly648Ser). This variant is present in population databases (rs748993106, gnomAD 0.005%). This missense change has been observed in individual(s) with palmoplantar pustulosis (PMID: 30998217). ClinVar contains an entry for this variant (Variation ID: 652294). Advanced modeling of protein sequence and biophysical properties (such as structural, functional, and spatial information, amino acid conservation, physicochemical variation, residue mobility, and thermodynamic stability) performed at Invitae indicates that this missense variant is expected to disrupt CARD14 protein function with a positive predictive value of 80%. In summary, the available evidence is currently insufficient to determine the role of this variant in disease. Therefore, it has been classified as a Variant of Uncertain Significance.

Literature cited by the submitters: PubMed 30998217.